The following is an entry in ClinVar:

ClinVar aggregate classification (germline): Likely pathogenic (1 of 4 stars; one submission).

Conditions:
Hereditary angioedema type 1 (HAE1). Identifiers: Orphanet 100050, Orphanet 100051, Orphanet 91378, MedGen C2717906, MONDO:0015053, OMIM 106100.

Submission:

DNA-diagnostics Laboratory, Research Centre For Medical Genetics
Classification: Likely pathogenic for Hereditary angioedema type 1. Last evaluated: 2024-07-07. Review status: criteria provided, single submitter. Criteria: ACMG Guidelines, 2015. Collection method: research. Allele origin: germline. Inheritance: Autosomal dominant inheritance. Affected: yes. Observed: 2 variant alleles, 2 heterozygotes.
Comment: The pathogenic or likely pathogenic SERPING1 gene variants are detected in >90% of the HAE1/2 families and in >80% of the total HAE families (e.g., DOI: 10.1016/j.molimm.2008.05.007, 10.1159/2F000138883, 10.1016/j.molimm.2011.07.010). In our study, the heterozygous c.718T>C (p.Ser240Pro) variant in SERPING1 was observed in 2 HAE1 patients with an unknown family HAE history. Such in silico algorithms as BayesDel, MutPred, REVEL support a deleterious effect of the same variant with Moderate evidence of pathogenicity, when choosing at least two identical assessments and using the threshold ranges from ClinGen recommendations (DOI: 10.1016/j.ajhg.2022.10.013). In summary, the c.718T>C variant in SERPING1 meets ACMG/ClinGen SVI guidance criteria to be classified as likely pathogenic: PP3_Mod, PP4_Mod, PM2_Sup, PP2

NM_000062.3(SERPING1):c.718T>C (p.Ser240Pro)

Gene: SERPING1 (serpin family G member 1; plus strand). Cytogenetic location: 11q12.1.
Variant type: single nucleotide variant.
Coding change: c.718T>C on transcript NM_000062.3 (MANE Select); coding-DNA position 718, T replaced by C.
Protein change: p.Ser240Pro; replaces serine 240 with proline.
Molecular consequence: missense variant.
Genome position (GRCh38, 1-based): chr11:57,606,042, T>C. VCF-style: chr11-57606042-T-C. GRCh37 (hg19) VCF-style: chr11-57373515-T-C.
Other names: c.718T>C, p.Ser240Pro (NM_001032295.2); short protein forms S240P.
Identifiers: ClinVar variation 3252007 (VCV003252007.4), dbSNP rs2495440471.